The following is an entry in ClinVar:

ClinVar aggregate classification (germline): Pathogenic (1 of 4 stars; one submission).

Conditions:
Fabry disease. Also called: ALPHA-GALACTOSIDASE A DEFICIENCY; ANDERSON-FABRY DISEASE; CERAMIDE TRIHEXOSIDASE DEFICIENCY; GLA DEFICIENCY; HEREDITARY DYSTOPIC LIPIDOSIS; Angiokeratoma corporis diffusum. Identifiers: Orphanet 324, MedGen C0002986, MONDO:0010526, OMIM 301500, HP:0001071. Disease mechanism: Fabry disease is due to inactivating mutations in the X-linked GLA gene resulting in deficiency of the enzyme Alpha Galactosidase-A., loss of function.

Submission:

Genomenon, Inc
Classification: Pathogenic for Fabry disease. Last evaluated: 2026-09-08. Review status: criteria provided, single submitter. Criteria: Genomenon Sequence Variant Interpretation Standards - Updated. Collection method: curation. Allele origin: germline. Affected: yes.
Comment: GLA p.Leu414CysfsTer4 (c.1241del) is a frameshift variant that is predicted to introduce a premature termination codon and result in a truncated or absent protein product. This variant has been observed in at least one proband with clinical features consistent with Fabry disease (PMID:34704396). It is absent or not present at a significant frequency in gnomAD. In conclusion, we classify GLA p.Leu414CysfsTer4 (c.1241del) as a pathogenic variant.

Literature cited by the submitters: PubMed 34704396.

NM_000169.3(GLA):c.1241del (p.Leu414fs)

Genes: GLA (galactosidase alpha; minus strand), RPL36A-HNRNPH2 (RPL36A-HNRNPH2 readthrough; plus strand). Cytogenetic location: Xq22.1.
Variant type: Deletion.
Coding change: c.1241del on transcript NM_000169.3 (MANE Select); coding-DNA position 1241, one base deleted (T; older notation c.1241delT).
Protein change: p.Leu414fs; shifts the reading frame from leucine 414.
Molecular consequence: frameshift variant. On other transcripts: non-coding transcript variant (3), intron variant (2).
Genome position (GRCh38, 1-based): chrX:101,397,858, A deleted on the plus strand (T on the coding strand, the reverse complement: GLA is on the minus strand); the first of 4 consecutive A bases (chrX:101,397,858-101,397,861); deleting any one gives the same sequence. VCF-style (leftmost placement, unchanged base first): chrX-101397857-CA-C. GRCh37 (hg19) VCF-style: chrX-100652845-CA-C.
Other names: c.1364del, p.Leu455fs (NM_001406747.1); c.300+2404del (NM_001199973.2); c.177+6039del (NM_001199974.2); short protein forms L414fs, L455fs.
Identifiers: ClinVar variation 4087085 (VCV004087085.2).